The following is an entry in ClinVar:

NM_003002.4(SDHD):c.343G>A (p.Val115Ile)

Gene: SDHD (succinate dehydrogenase complex subunit D; plus strand). Cytogenetic location: 11q23.1.
Variant type: single nucleotide variant.
Coding change: c.343G>A on transcript NM_003002.4 (MANE Select); coding-DNA position 343, G replaced by A.
Protein change: p.Val115Ile; replaces valine 115 with isoleucine.
Molecular consequence: missense variant. On other transcripts: 3 prime UTR variant (1), non-coding transcript variant (1).
Genome position (GRCh38, 1-based): chr11:112,094,833, G>A. VCF-style: chr11-112094833-G-A. GRCh37 (hg19) VCF-style: chr11-111965557-G-A.
Other names: c.198G>A, p.Met66Ile (NM_001276503.2); c.226G>A, p.Val76Ile (NM_001276504.2); c.*41G>A (NM_001276506.2); short protein forms V115I, V76I, M66I.
Identifiers: ClinVar variation 2562396 (VCV002562396.2), dbSNP rs1283246494, ClinGen allele CA382618857.
Genomic context (GRCh38, chr11:112,094,833, plus strand): 5'-TATTGATGTTATGATTTTTTCTTTTTCTTTAGGGGCCTTGGACAAGTTGTTACTGACTAT[G>A]TTCATGGGGATGCCTTGCAGAAAGCTGCCAAGGCAGGGCTTTTGGCACTTTCAGCTTTAA-3'
Protein context (NP_002993.1, residues 105-125): WGLGQVVTDY[Val115Ile]HGDALQKAAK

ClinVar aggregate classification (germline): Uncertain significance (1 of 4 stars; one submission).

Conditions:
Hereditary cancer-predisposing syndrome. Also called: Neoplastic Syndromes, Hereditary; Hereditary Cancer Syndrome; Hereditary neoplastic syndrome; Tumor predisposition. Identifiers: Orphanet 140162, MedGen C0027672, MeSH D009386, MONDO:0015356.

Submission:

Ambry Genetics
Classification: Uncertain significance for Hereditary cancer-predisposing syndrome. Last evaluated: 2023-05-28. Review status: criteria provided, single submitter. Criteria: Ambry Variant Classification Scheme 2023. Collection method: clinical testing. Allele origin: germline.
Comment: The p.V115I variant (also known as c.343G>A), located in coding exon 4 of the SDHD gene, results from a G to A substitution at nucleotide position 343. The valine at codon 115 is replaced by isoleucine, an amino acid with highly similar properties. This amino acid position is conserved. In addition, this alteration is predicted to be deleterious by in silico analysis. Since supporting evidence is limited at this time, the clinical significance of this alteration remains unclear.